The following is an entry in ClinVar:

NM_006506.5(RASA2):c.119T>C (p.Leu40Pro)

Genes: RASA2 (RAS p21 protein activator 2; plus strand), LOC129937686 (ATAC-STARR-seq lymphoblastoid silent region 14777; plus strand). Cytogenetic location: 3q23.
Variant type: single nucleotide variant.
Coding change: c.119T>C on transcript NM_006506.5 (MANE Select); coding-DNA position 119, T replaced by C.
Protein change: p.Leu40Pro; replaces leucine 40 with proline.
Molecular consequence: missense variant.
Genome position (GRCh38, 1-based): chr3:141,487,202, T>C. VCF-style: chr3-141487202-T-C. GRCh37 (hg19) VCF-style: chr3-141206044-T-C.
Other names: c.119T>C, p.Leu40Pro (NM_001303245.3, NM_001303246.3); short protein forms L40P.
Identifiers: ClinVar variation 4150730 (VCV004150730.1).

ClinVar aggregate classification (germline): Uncertain significance (1 of 4 stars; one submission).

gnomAD v4.1: 2 of 1,441,572 alleles (0.00014%); highest among the groups gnomAD compares: South Asian, 0.0014%; no homozygotes.

Submission:

Ambry Genetics
Classification: Uncertain significance. Last evaluated: 2025-06-22. Review status: criteria provided, single submitter. Criteria: Ambry Variant Classification Scheme 2023. Collection method: clinical testing. Allele origin: germline.
Comment: The p.L40P variant (also known as c.119T>C), located in coding exon 1 of the RASA2 gene, results from a T to C substitution at nucleotide position 119. The leucine at codon 40 is replaced by proline, an amino acid with similar properties. This amino acid position is conserved. In addition, the in silico prediction for this alteration is inconclusive. Based on the available evidence, the clinical significance of this variant remains unclear.